The following is an entry in ClinVar:

ClinVar aggregate classification (germline): Uncertain significance (1 of 4 stars; one submission).

Conditions:
Joubert syndrome. Also called: CEREBELLOPARENCHYMAL DISORDER IV; JOUBERT-BOLTSHAUSER SYNDROME; Familial aplasia of the vermis. Identifiers: Orphanet 475, MedGen C5979921, MONDO:0018772.
Meckel-Gruber syndrome. Also called: DYSENCEPHALIA SPLANCHNOCYSTICA; GRUBER SYNDROME; Dysencephalia splachnocystica. Identifiers: Orphanet 564, MedGen C0265215, MONDO:0018921.

Allele frequency attached by ClinVar (database versions not stated): gnomAD exomes below 0.00001 and 0.00001; gnomAD 0.00001; TOPMed 0.00001.
gnomAD v4.1: 7 of 1,579,234 alleles (0.00044%); highest among the groups gnomAD compares: East Asian, 0.0023%; no homozygotes.

Submission:

Labcorp Genetics (formerly Invitae), Labcorp
Classification: Uncertain significance for Joubert syndrome; Meckel-Gruber syndrome. Last evaluated: 2022-05-10. Review status: criteria provided, single submitter. Criteria: Invitae Variant Classification Sherloc (09022015). Collection method: clinical testing. Allele origin: germline.
Comment: This variant is present in population databases (no rsID available, gnomAD 0.001%). This variant has not been reported in the literature in individuals affected with TCTN1-related conditions. Algorithms developed to predict the effect of missense changes on protein structure and function output the following: SIFT: "Tolerated"; PolyPhen-2: "Benign"; Align-GVGD: "Class C0". The asparagine amino acid residue is found in multiple mammalian species, which suggests that this missense change does not adversely affect protein function. In summary, the available evidence is currently insufficient to determine the role of this variant in disease. Therefore, it has been classified as a Variant of Uncertain Significance. This sequence change replaces aspartic acid, which is acidic and polar, with asparagine, which is neutral and polar, at codon 116 of the TCTN1 protein (p.Asp116Asn).

NM_001082538.3(TCTN1):c.346G>A (p.Asp116Asn)

Gene: TCTN1 (tectonic family member 1; plus strand). Cytogenetic location: 12q24.11.
Variant type: single nucleotide variant.
Coding change: c.346G>A on transcript NM_001082538.3 (MANE Select); coding-DNA position 346, G replaced by A.
Protein change: p.Asp116Asn; replaces aspartic acid 116 with asparagine.
Molecular consequence: missense variant. On other transcripts: 5 prime UTR variant (1), non-coding transcript variant (1).
Genome position (GRCh38, 1-based): chr12:110,626,366, G>A. VCF-style: chr12-110626366-G-A. GRCh37 (hg19) VCF-style: chr12-111064171-G-A.
Other names: c.346G>A, p.Asp116Asn (NM_001082537.3, NM_001319680.2, NM_024549.6); c.178G>A, p.Asp60Asn (NM_001173975.3, NM_001319682.3); c.166G>A, p.Asp56Asn (NM_001173976.2); c.-362G>A (NM_001319681.2); short protein forms D56N, D60N, D116N.
Identifiers: ClinVar variation 1442016 (VCV001442016.8), dbSNP rs983420048, ClinGen allele CA243557739.